The following is an entry in ClinVar:

NM_004991.4(MECOM):c.2002A>G (p.Ile668Val)

Gene: MECOM (MDS1 and EVI1 complex locus; minus strand). Cytogenetic location: 3q26.2.
Variant type: single nucleotide variant.
Coding change: c.2002A>G on transcript NM_004991.4 (MANE Select); coding-DNA position 2002, A replaced by G.
Protein change: p.Ile668Val; replaces isoleucine 668 with valine.
Molecular consequence: missense variant. On other transcripts: intron variant (2).
Genome position (GRCh38, 1-based): chr3:169,115,870, T>C on the plus strand (A>G on the coding strand, the complement: MECOM is on the minus strand). VCF-style: chr3-169115870-T-C. GRCh37 (hg19) VCF-style: chr3-168833658-T-C.
Other names: c.1633A>G, p.Ile545Val (NM_001105077.4); c.1438A>G, p.Ile480Val (NM_001105078.4, NM_001164000.2, NM_001205194.2 and 4 more transcripts); c.1441A>G, p.Ile481Val (NM_001163999.2, NM_001366467.2, NM_001366468.2 and 1 more transcripts); c.2002A>G, p.Ile668Val (NM_001366466.2); c.1133-103A>G (NM_001366473.2); c.569-103A>G (NM_001366474.2); short protein forms I480V, I668V, I545V, I481V.
Identifiers: ClinVar variation 5024178 (VCV005024178.1).

ClinVar aggregate classification (germline): Uncertain significance (1 of 4 stars; one submission).

Conditions:
Inborn genetic diseases. Identifiers: MedGen C0950123, MeSH D030342.

Submission:

Ambry Genetics
Classification: Uncertain significance for Inborn genetic diseases. Last evaluated: 2026-08-11. Review status: criteria provided, single submitter. Criteria: Ambry Variant Classification Scheme 2023. Collection method: clinical testing. Allele origin: germline.
Comment: The p.I668V variant (also known as c.2002A>G), located in coding exon 8 of the MECOM gene, results from an A to G substitution at nucleotide position 2002. The isoleucine at codon 668 is replaced by valine, an amino acid with highly similar properties. This amino acid position is conserved. In addition, this alteration is predicted to be tolerated by in silico analysis. Based on the available evidence, the clinical significance of this variant remains unclear.